The following is an entry in ClinVar:

NM_002907.4(RECQL):c.1778C>T (p.Ser593Phe)

Genes: PYROXD1 (pyridine nucleotide-disulphide oxidoreductase domain 1; plus strand), RECQL (RecQ like helicase; minus strand). Cytogenetic location: 12p12.1.
Variant type: single nucleotide variant.
Coding change: c.1778C>T on transcript NM_002907.4 (MANE Select); coding-DNA position 1778, C replaced by T.
Protein change: p.Ser593Phe; replaces serine 593 with phenylalanine.
Molecular consequence: missense variant. On other transcripts: 3 prime UTR variant (3).
Genome position (GRCh38, 1-based): chr12:21,470,988, G>A on the plus strand (C>T on the coding strand, the complement: RECQL is on the minus strand). VCF-style: chr12-21470988-G-A. GRCh37 (hg19) VCF-style: chr12-21623922-G-A.
Other names: c.1778C>T, p.Ser593Phe (NM_032941.3); c.*2234G>A (NM_001350912.2, NM_001350913.2, NM_024854.5); short protein forms S593F.
Identifiers: ClinVar variation 1779910 (VCV001779910.4), dbSNP rs1473374235, ClinGen allele CA384114376.

ClinVar aggregate classification (germline): Uncertain significance. Review status: criteria provided, multiple submitters, no conflicts (2 of 4 stars). 2 submissions from 2 submitters: Uncertain significance (2). Last evaluated 2025-06-19.

Allele frequency attached by ClinVar (database versions not stated): gnomAD exomes below 0.00001; TOPMed below 0.00001; gnomAD 0.00001.
gnomAD v4.1: 6 of 1,557,674 alleles (0.00039%); highest among the groups gnomAD compares: South Asian, 0.0012%; no homozygotes.

Submissions (2):

Quest Diagnostics Nichols Institute San Juan Capistrano
Classification: Uncertain significance. Last evaluated: 2025-06-19. Review status: criteria provided, single submitter. Criteria: Quest Diagnostics criteria. Collection method: clinical testing. Allele origin: unknown.
Comment: The RECQL c.1778C>T (p.Ser593Phe) variant has been reported in the published literature in a reportedly unaffected individual (PMID: 33471991 (2021), see also LOVD). The frequency of this variant in the general population (Genome Aggregation Database) is uninformative in the assessment of its pathogenicity. Analysis of this variant using bioinformatics tools for the prediction of the effect of amino acid changes on protein structure and function yielded predictions that this variant is benign. Based on the available information, we are unable to determine the clinical significance of this variant.

Ambry Genetics
Classification: Uncertain significance. Last evaluated: 2025-03-02. Review status: criteria provided, single submitter. Criteria: Ambry Variant Classification Scheme 2023. Collection method: clinical testing. Allele origin: germline.
Comment: The p.S593F variant (also known as c.1778C>T), located in coding exon 13 of the RECQL gene, results from a C to T substitution at nucleotide position 1778. The serine at codon 593 is replaced by phenylalanine, an amino acid with highly dissimilar properties. This amino acid position is conserved. In addition, this alteration is predicted to be tolerated by in silico analysis. Since supporting evidence is limited at this time, the clinical significance of this alteration remains unclear.

Literature cited by the submitters: PubMed 33471991 (cited by Quest Diagnostics Nichols Institute San Juan Capistrano).